The following is an entry in ClinVar:

NM_000431.4(MVK):c.119G>A (p.Arg40Gln)

Gene: MVK (mevalonate kinase; plus strand). Cytogenetic location: 12q24.11.
Variant type: single nucleotide variant.
Coding change: c.119G>A on transcript NM_000431.4 (MANE Select); coding-DNA position 119, G replaced by A.
Protein change: p.Arg40Gln; replaces arginine 40 with glutamine.
Molecular consequence: missense variant.
Genome position (GRCh38, 1-based): chr12:109,576,038, G>A. VCF-style: chr12-109576038-G-A. GRCh37 (hg19) VCF-style: chr12-110013843-G-A.
Other names: c.119G>A, p.Arg40Gln (NM_001114185.3, NM_001301182.2); c.119G>A (NM_000431.2); short protein forms R40Q.
Identifiers: ClinVar variation 579239 (VCV000579239.31), dbSNP rs373095009, ClinGen allele CA6779154.

ClinVar aggregate classification (germline): Uncertain significance. Review status: criteria provided, multiple submitters, no conflicts (2 of 4 stars). 4 submissions from 4 submitters: Uncertain significance (4). Last evaluated 2025-08-14.

Conditions:
Inborn genetic diseases. Identifiers: MedGen C0950123, MeSH D030342.
Porokeratosis 3, disseminated superficial actinic type (POROK3). Also called: POROKERATOSIS, DISSEMINATED SUPERFICIAL ACTINIC, 1; POROKERATOSIS 3, MULTIPLE TYPES; POROKERATOSIS 3, MIBELLI TYPE. Identifiers: MedGen C1867981, MONDO:0008293, OMIM 175900.
Mevalonic aciduria (MEVA). Identifiers: Orphanet 29, MedGen C1959626, MONDO:0012481, OMIM 610377.
Hyperimmunoglobulin D with periodic fever (HIDS). Also called: Hyperimmunoglobulinemia D; HYPERIMMUNOGLOBULINEMIA D AND PERIODIC FEVER SYNDROME; Hyperimmunoglobulinemia D with periodic fever. Identifiers: Orphanet 343, MedGen C0398691, MONDO:0009849, OMIM 260920.

Allele frequency attached by ClinVar (database versions not stated): ExAC 0.00002; TOPMed 0.00002; ESP Exome Variant Server 0.00008.
gnomAD v4.1: 29 of 1,614,016 alleles (0.0018%); highest among the groups gnomAD compares: African/African-American, 0.0027%; no homozygotes.

Submissions (4):

Ambry Genetics
Classification: Uncertain significance for Inborn genetic diseases. Last evaluated: 2025-08-14. Review status: criteria provided, single submitter. Criteria: Ambry Variant Classification Scheme 2023. Collection method: clinical testing. Allele origin: germline.

Labcorp Genetics (formerly Invitae), Labcorp
Classification: Uncertain significance for Mevalonic aciduria; Hyperimmunoglobulin D with periodic fever; Porokeratosis 3, disseminated superficial actinic type. Last evaluated: 2025-01-08. Review status: criteria provided, single submitter. Criteria: Invitae Variant Classification Sherloc (09022015). Collection method: clinical testing. Allele origin: germline.
Comment: This sequence change replaces arginine, which is basic and polar, with glutamine, which is neutral and polar, at codon 40 of the MVK protein (p.Arg40Gln). This variant is present in population databases (rs373095009, gnomAD 0.004%). This variant has not been reported in the literature in individuals affected with MVK-related conditions. ClinVar contains an entry for this variant (Variation ID: 579239). An algorithm developed to predict the effect of missense changes on protein structure and function outputs the following: PolyPhen-2: "Benign". The glutamine amino acid residue is found in multiple mammalian species, which suggests that this missense change does not adversely affect protein function. In summary, the available evidence is currently insufficient to determine the role of this variant in disease. Therefore, it has been classified as a Variant of Uncertain Significance.

CeGaT Center for Human Genetics Tuebingen
Classification: Uncertain significance. Last evaluated: 2024-10-01. Review status: criteria provided, single submitter. Criteria: CeGaT Center For Human Genetics Tuebingen Variant Classification Criteria Version 2. Collection method: clinical testing. Allele origin: germline. Affected: yes. Observed: 1 variant allele.
Comment: MVK: PM2, PM5:Supporting

ARUP Laboratories, Molecular Genetics and Genomics, ARUP Laboratories
Classification: Uncertain significance. Last evaluated: 2018-04-25. Review status: criteria provided, single submitter. Criteria: ARUP Molecular Germline Variant Investigation Process. Collection method: clinical testing. Allele origin: germline.
Comment: The MVK c.119G>A; p.Arg40Gln variant (rs373095009), to our knowledge, is not reported in the medical literature or gene specific databases. This variant is found in the general population in 2 out of 246,270 alleles in the Genome Aggregation Database, indicating it is not a common polymorphism. The arginine at codon 40 is moderately conserved but computational analyses (SIFT, PolyPhen-2) predict that this variant is tolerated. Considering available information, there is insufficient evidence to classify this variant with certainty. Pathogenic MVK variants are causative for autosomal recessive hyper-IgD syndrome (MIM: 260920) or mevalonic aciduria (MIM: 610377).